The following is an entry in ClinVar:

ClinVar aggregate classification (germline): Uncertain significance (1 of 4 stars; one submission).

Conditions:
Hereditary cancer-predisposing syndrome. Also called: Tumor predisposition; Neoplastic Syndromes, Hereditary; Hereditary Cancer Syndrome; Hereditary neoplastic syndrome. Identifiers: Orphanet 140162, MedGen C0027672, MeSH D009386, MONDO:0015356.

Submission:

Ambry Genetics
Classification: Uncertain significance for Hereditary cancer-predisposing syndrome. Last evaluated: 2024-08-26. Review status: criteria provided, single submitter. Criteria: Ambry Variant Classification Scheme 2023. Collection method: clinical testing. Allele origin: germline.
Comment: The p.E80D variant (also known as c.240G>T), located in coding exon 2 of the DICER1 gene, results from a G to T substitution at nucleotide position 240. The glutamic acid at codon 80 is replaced by aspartic acid, an amino acid with highly similar properties. This amino acid position is conserved. In addition, the in silico prediction for this alteration is inconclusive. Based on the available evidence, the clinical significance of this variant remains unclear.

NM_177438.3(DICER1):c.240G>T (p.Glu80Asp)

Gene: DICER1 (dicer 1, ribonuclease III; minus strand). Cytogenetic location: 14q32.13.
Variant type: single nucleotide variant.
Coding change: c.240G>T on transcript NM_177438.3 (MANE Select); coding-DNA position 240, G replaced by T.
Protein change: p.Glu80Asp; replaces glutamic acid 80 with aspartic acid.
Molecular consequence: missense variant. On other transcripts: 5 prime UTR variant (9), non-coding transcript variant (6).
Genome position (GRCh38, 1-based): chr14:95,132,582, C>A on the plus strand (G>T on the coding strand, the complement: DICER1 is on the minus strand). VCF-style: chr14-95132582-C-A. GRCh37 (hg19) VCF-style: chr14-95598919-C-A.
Other names: c.240G>T, p.Glu80Asp (NM_001195573.1, NM_001271282.3, NM_001291628.2 and 14 more transcripts); c.-35G>T (NM_001395686.1, NM_001395687.1, NM_001395688.1 and 4 more transcripts); c.-219G>T (NM_001395691.1); c.-1329G>T (NM_001395697.1); short protein forms E80D.
Identifiers: ClinVar variation 3501887 (VCV003501887.1).